The following is an entry in ClinVar:

ClinVar aggregate classification (germline): Conflicting classifications of pathogenicity. Review status: criteria provided, conflicting classifications (1 of 4 stars). 2 submissions from 2 submitters: Uncertain significance (1); Benign (1). Last evaluated 2017-11-15.

Conditions:
Wolfram syndrome 1 (WFS1). Identifiers: Orphanet 3463, MedGen C4551693, MONDO:0009101, OMIM 222300.

Allele frequency attached by ClinVar (database versions not stated): gnomAD exomes below 0.00001; TOPMed below 0.00001.
gnomAD v4.1: 1 of 1,614,082 alleles (0.000062%); highest among the groups gnomAD compares: Non-Finnish European, 0.000085%; no homozygotes.

Submissions (2):

Eurofins Ntd Llc (ga)
Classification: Uncertain significance. Last evaluated: 2017-11-15. Review status: criteria provided, single submitter. Criteria: EGL Classification Definitions 2015. Collection method: clinical testing. Allele origin: germline. Observed: 1 variant allele, 1 heterozygote.

Clinical Genomics, Uppaluri K&H Personalized Medicine Clinic
Classification: Benign for Wolfram syndrome 1. Review status: criteria provided, single submitter. Criteria: K & H Uppaluri Personalized Medicine Clinic Variant Classification & Assertion Criteria_Updated V.1. Collection method: research. Allele origin: unknown. Inheritance: Autosomal recessive inheritance.
Comment: Potent mutations in WFS1 gene are associated with Wolfram's syndrome, an autosomal recessive condition, which cause diabetes mellitus, diabetes insipidus, deafness and optic atrophy.However no sufficient evidence is found to ascertain the role of this particular variant rs1560418384 in Wolfram's syndrome yet.

Literature cited by the submitters: PubMed 20738327 (cited by Clinical Genomics, Uppaluri K&H Personalized Medicine Clinic); PubMed 33879153 (cited by Clinical Genomics, Uppaluri K&H Personalized Medicine Clinic); PubMed 12955714 (cited by Clinical Genomics, Uppaluri K&H Personalized Medicine Clinic); PubMed 18060660 (cited by Clinical Genomics, Uppaluri K&H Personalized Medicine Clinic); PubMed 20301750 (cited by Clinical Genomics, Uppaluri K&H Personalized Medicine Clinic); PubMed 17603484 (cited by Clinical Genomics, Uppaluri K&H Personalized Medicine Clinic).

NM_006005.3(WFS1):c.1149C>T (p.Arg383=)

Gene: WFS1 (wolframin ER transmembrane glycoprotein; plus strand). Cytogenetic location: 4p16.1.
Variant type: single nucleotide variant.
Coding change: c.1149C>T on transcript NM_006005.3 (MANE Select); coding-DNA position 1149, C replaced by T.
Protein change: p.Arg383=; no amino-acid change (arginine 383 retained).
Molecular consequence: synonymous variant.
Genome position (GRCh38, 1-based): chr4:6,300,944, C>T. VCF-style: chr4-6300944-C-T. GRCh37 (hg19) VCF-style: chr4-6302671-C-T.
Other names: c.1149C>T, p.Arg383= (NM_001145853.1).
Identifiers: ClinVar variation 594843 (VCV000594843.6), dbSNP rs1560418384, ClinGen allele CA438368115.